The following is an entry in ClinVar:

ClinVar aggregate classification (germline): Uncertain significance (1 of 4 stars; one submission).

Conditions:
Autoimmune lymphoproliferative syndrome, type III caused by mutation in PRKCD. Identifiers: Orphanet 3261, Orphanet 664711, MedGen C3809928, MONDO:8000024, OMIM 615559.

Submission:

Labcorp Genetics (formerly Invitae), Labcorp
Classification: Uncertain significance for Autoimmune lymphoproliferative syndrome, type III. Last evaluated: 2018-12-04. Review status: criteria provided, single submitter. Criteria: Invitae Variant Classification Sherloc (09022015). Collection method: clinical testing. Allele origin: germline.
Comment: This sequence change replaces valine with leucine at codon 354 of the PRKCD protein (p.Val354Leu). The valine residue is highly conserved and there is a small physicochemical difference between valine and leucine. This variant is not present in population databases (ExAC no frequency). This variant has not been reported in the literature in individuals with PRKCD-related conditions. Algorithms developed to predict the effect of missense changes on protein structure and function are either unavailable or do not agree on the potential impact of this missense change (SIFT: "Deleterious"; PolyPhen-2: "Benign"; Align-GVGD: "Class C25"). In summary, the available evidence is currently insufficient to determine the role of this variant in disease. Therefore, it has been classified as a Variant of Uncertain Significance.

NM_006254.4(PRKCD):c.1060G>C (p.Val354Leu)

Gene: PRKCD (protein kinase C delta; plus strand). Cytogenetic location: 3p21.1.
Variant type: single nucleotide variant.
Coding change: c.1060G>C on transcript NM_006254.4 (MANE Select); coding-DNA position 1060, G replaced by C.
Protein change: p.Val354Leu; replaces valine 354 with leucine.
Molecular consequence: missense variant.
Genome position (GRCh38, 1-based): chr3:53,186,001, G>C. VCF-style: chr3-53186001-G-C. GRCh37 (hg19) VCF-style: chr3-53220017-G-C.
Other names: c.1060G>C, p.Val354Leu (LRG_1327t1, NM_001316327.2, NM_001354679.2 and 2 more transcripts); c.1117G>C, p.Val373Leu (NM_001354676.2); c.1108G>C, p.Val370Leu (NM_001354678.2); short protein forms V370L, V373L, V354L.
Identifiers: ClinVar variation 642881 (VCV000642881.1), dbSNP rs782601434, ClinGen allele CA353221356.